The following is an entry in ClinVar:

ClinVar aggregate classification (germline): Uncertain significance. Review status: criteria provided, multiple submitters, no conflicts (2 of 4 stars). 5 submissions from 5 submitters: Uncertain significance (5). Last evaluated 2025-08-20.

Conditions:
Classic or attenuated familial adenomatous polyposis. Identifiers: MedGen CN372698, MONDO:0021057.
Hereditary cancer-predisposing syndrome. Also called: Tumor predisposition; Hereditary Cancer Syndrome; Hereditary neoplastic syndrome; Neoplastic Syndromes, Hereditary. Identifiers: Orphanet 140162, MedGen C0027672, MeSH D009386, MONDO:0015356.
Familial adenomatous polyposis 1 (FAP1). Also called: FAMILIAL ADENOMATOUS POLYPOSIS 1, ATTENUATED; POLYPOSIS, ADENOMATOUS INTESTINAL. Identifiers: MedGen C2713442, MONDO:0021056, OMIM 175100. Disease mechanism: loss of function.

Allele frequency attached by ClinVar (database versions not stated): gnomAD exomes below 0.00001.
gnomAD v4.1: 3 of 1,613,918 alleles (0.00019%); highest among the groups gnomAD compares: Non-Finnish European, 0.00025%; no homozygotes.

Submissions (5):

Color Diagnostics, LLC DBA Color Health
Classification: Uncertain significance for Hereditary cancer-predisposing syndrome. Last evaluated: 2025-08-20. Review status: criteria provided, single submitter. Criteria: ACMG Guidelines, 2015. Collection method: clinical testing. Allele origin: germline.
Comment: This missense variant replaces aspartic acid with tyrosine at codon 2100 of the APC protein. Computational prediction is inconclusive regarding the impact of this variant on protein structure and function. APC is defined as a gene for which primarily truncating variants are known to cause disease (ClinGen HCCP VCEP). To our knowledge, functional studies have not been reported for this variant. This variant has not been reported in individuals affected with APC-related disorders in the literature. This variant has not been identified in the general population by the Genome Aggregation Database (gnomAD). The available evidence is insufficient to determine the role of this variant in disease conclusively. Therefore, this variant is classified as a Variant of Uncertain Significance.

Ambry Genetics
Classification: Uncertain significance for Hereditary cancer-predisposing syndrome. Last evaluated: 2025-03-28. Review status: criteria provided, single submitter. Criteria: Ambry Variant Classification Scheme 2023. Collection method: clinical testing. Allele origin: germline.
Comment: The p.D2100Y variant (also known as c.6298G>T), located in coding exon 15 of the APC gene, results from a G to T substitution at nucleotide position 6298. The aspartic acid at codon 2100 is replaced by tyrosine, an amino acid with highly dissimilar properties. This amino acid position is highly conserved in available vertebrate species. In addition, in silico predictors for this gene do not accurately predict pathogenicity. Missense alterations in APC are not a common cause of disease (Spier I et al. Genet Med. 2024 Feb;26(2):100992). Based on the available evidence, the clinical significance of this variant remains unclear.

Labcorp Genetics (formerly Invitae), Labcorp
Classification: Uncertain significance for Familial adenomatous polyposis 1. Last evaluated: 2024-08-07. Review status: criteria provided, single submitter. Criteria: Invitae Variant Classification Sherloc (09022015). Collection method: clinical testing. Allele origin: germline.
Comment: This sequence change replaces aspartic acid, which is acidic and polar, with tyrosine, which is neutral and polar, at codon 2100 of the APC protein (p.Asp2100Tyr). This variant is not present in population databases (gnomAD no frequency). This variant has not been reported in the literature in individuals affected with APC-related conditions. ClinVar contains an entry for this variant (Variation ID: 537510). Advanced modeling of protein sequence and biophysical properties (such as structural, functional, and spatial information, amino acid conservation, physicochemical variation, residue mobility, and thermodynamic stability) performed at Invitae indicates that this missense variant is not expected to disrupt APC protein function with a negative predictive value of 95%. In summary, the available evidence is currently insufficient to determine the role of this variant in disease. Therefore, it has been classified as a Variant of Uncertain Significance.

All of Us Research Program, National Institutes of Health
Classification: Uncertain significance for Classic or attenuated familial adenomatous polyposis. Last evaluated: 2023-06-26. Review status: criteria provided, single submitter. Criteria: ACMG Guidelines, 2015. Collection method: clinical testing. Allele origin: germline. Inheritance: Autosomal dominant inheritance. Observed: 1 variant allele, 1 heterozygote.
Comment: This missense variant replaces aspartic acid with tyrosine at codon 2100 of the APC protein. Computational prediction is inconclusive regarding the impact of this variant on protein structure and function (internally defined REVEL score threshold 0.5 < inconclusive < 0.7, PMID: 27666373). To our knowledge, functional studies have not been reported for this variant. This variant has not been reported in individuals affected with APC-related disorders in the literature. This variant has not been identified in the general population by the Genome Aggregation Database (gnomAD). The available evidence is insufficient to determine the role of this variant in disease conclusively. Therefore, this variant is classified as a Variant of Uncertain Significance.

This study involves interpretation of variants in research participants for the purpose of population health screening. Participant phenotype was not available at the time of variant classification. Additional details can be found in publication PMID: 35346344, PMCID: PMC8962531

GeneDx
Classification: Uncertain significance. Last evaluated: 2020-12-17. Review status: criteria provided, single submitter. Criteria: GeneDx Variant Classification Process June 2021. Collection method: clinical testing. Allele origin: germline. Affected: yes.
Comment: Has not been previously published as pathogenic or benign to our knowledge; Not observed in large population cohorts (Lek 2016); In silico analysis supports that this missense variant has a deleterious effect on protein structure/function

NM_000038.6(APC):c.6298G>T (p.Asp2100Tyr)

Gene: APC (APC regulator of Wnt signaling pathway; plus strand). Cytogenetic location: 5q22.2.
Variant type: single nucleotide variant.
Coding change: c.6298G>T on transcript NM_000038.6 (MANE Select); coding-DNA position 6298, G replaced by T.
Protein change: p.Asp2100Tyr; replaces aspartic acid 2100 with tyrosine.
Molecular consequence: missense variant.
Genome position (GRCh38, 1-based): chr5:112,841,892, G>T. VCF-style: chr5-112841892-G-T. GRCh37 (hg19) VCF-style: chr5-112177589-G-T.
Other names: c.6298G>T, p.Asp2100Tyr (NM_001127510.3, NM_001354895.2); c.6244G>T, p.Asp2082Tyr (NM_001127511.3); c.6352G>T, p.Asp2118Tyr (NM_001354896.2); c.6328G>T, p.Asp2110Tyr (NM_001354897.2); c.6223G>T, p.Asp2075Tyr (NM_001354898.2); c.6214G>T, p.Asp2072Tyr (NM_001354899.2); c.6175G>T, p.Asp2059Tyr (NM_001354900.2); c.6121G>T, p.Asp2041Tyr (NM_001354901.2); and 5 more; short protein forms D2082Y, D2100Y, D1940Y, D2009Y, D2041Y, D2059Y, D1974Y, D2075Y.
Identifiers: ClinVar variation 537510 (VCV000537510.20), dbSNP rs1554087322, ClinGen allele CA16035123.
Genomic context (GRCh38, chr5:112,841,892, plus strand): 5'-TTGAAAGATATACAGAGACCAGATTCAGAACATGGTCTATCCCCTGATTCAGAAAATTTT[G>T]ATTGGAAAGCTATTCAGGAAGGTGCAAATTCCATAGTAAGTAGTTTACATCAAGCTGCTG-3'
Protein context (NP_000029.2, residues 2090-2110): HGLSPDSENF[Asp2100Tyr]WKAIQEGANS